The following is an entry in ClinVar:

ClinVar aggregate classification (germline): Pathogenic (1 of 4 stars; one submission).

Submission:

Labcorp Genetics (formerly Invitae), Labcorp
Classification: Pathogenic. Last evaluated: 2025-04-21. Review status: criteria provided, single submitter. Criteria: Invitae Variant Classification Sherloc (09022015). Collection method: clinical testing. Allele origin: germline.
Comment: This sequence change creates a premature translational stop signal (p.Glu305Asnfs*5) in the CFI gene. It is expected to result in an absent or disrupted protein product. Loss-of-function variants in CFI are known to be pathogenic (PMID: 15917334, 16621965, 19065647, 20016463, 22710145). This variant is present in population databases (no rsID available, gnomAD 0.007%). This variant has not been reported in the literature in individuals affected with CFI-related conditions. For these reasons, this variant has been classified as Pathogenic.

Literature cited by the submitters: PubMed 15917334; PubMed 16621965; PubMed 19065647; PubMed 20016463; PubMed 22710145.

NM_000204.5(CFI):c.913_914del (p.Glu305fs)

Gene: CFI (complement factor I; minus strand). Cytogenetic location: 4q25.
Variant type: Deletion.
Coding change: c.913_914del on transcript NM_000204.5 (MANE Select); coding-DNA positions 913 to 914, 2 bases deleted (GA; older notation c.913_914delGA).
Protein change: p.Glu305fs; shifts the reading frame from glutamic acid 305.
Molecular consequence: frameshift variant. On other transcripts: non-coding transcript variant (3), intron variant (1).
Genome position (GRCh38, 1-based): chr4:109,752,494-109,752,495, TC deleted on the plus strand (GA on the coding strand, the reverse complement: CFI is on the minus strand); deleting any 2 consecutive bases within chr4:109,752,494-109,752,496 gives the same sequence; the c. name uses the placement nearest the transcript's 3' end. VCF-style (leftmost placement, unchanged base first): chr4-109752493-TTC-T. GRCh37 (hg19) VCF-style: chr4-110673649-TTC-T.
Other names: c.937_938del, p.Glu313fs (NM_001318057.2, NM_001375278.1, NM_001440988.1); c.892_893del, p.Glu298fs (NM_001331035.2, NM_001375280.1, NM_001375282.1 and 1 more transcripts); c.913_914del, p.Glu305fs (NM_001375279.1, NM_001375281.1, NM_001440989.1); c.304_305del, p.Glu102fs (NM_001375284.1); c.934_935del, p.Glu312fs (NM_001440985.1, NM_001440986.1); c.884-2893_884-2892del (NM_001375283.1); short protein forms E313fs, E305fs, E312fs, E298fs, E102fs.
Identifiers: ClinVar variation 4718063 (VCV004718063.1).